The following is an entry in ClinVar:

NM_032380.5(GFM2):c.335T>C (p.Phe112Ser)

Gene: GFM2 (GTP dependent ribosome recycling factor mitochondrial 2; minus strand). Cytogenetic location: 5q13.3.
Variant type: single nucleotide variant.
Coding change: c.335T>C on transcript NM_032380.5 (MANE Select); coding-DNA position 335, T replaced by C.
Protein change: p.Phe112Ser; replaces phenylalanine 112 with serine.
Molecular consequence: missense variant. On other transcripts: non-coding transcript variant (1).
Genome position (GRCh38, 1-based): chr5:74,751,463, A>G on the plus strand (T>C on the coding strand, the complement: GFM2 is on the minus strand). VCF-style: chr5-74751463-A-G. GRCh37 (hg19) VCF-style: chr5-74047288-A-G.
Other names: c.431T>C, p.Phe144Ser (NM_001281302.2); c.335T>C, p.Phe112Ser (NM_170681.3, NM_170691.3); short protein forms F144S, F112S.
Identifiers: ClinVar variation 2072220 (VCV002072220.4), dbSNP rs1743708074, ClinGen allele CA360086357.

ClinVar aggregate classification (germline): Uncertain significance (1 of 4 stars; one submission).

gnomAD v4.1: 1 of 1,610,290 alleles (0.000062%); highest among the groups gnomAD compares: Admixed American, 0.0017%; no homozygotes.

Submission:

Labcorp Genetics (formerly Invitae), Labcorp
Classification: Uncertain significance. Last evaluated: 2022-08-16. Review status: criteria provided, single submitter. Criteria: Invitae Variant Classification Sherloc (09022015). Collection method: clinical testing. Allele origin: germline.
Comment: In summary, the available evidence is currently insufficient to determine the role of this variant in disease. Therefore, it has been classified as a Variant of Uncertain Significance. Algorithms developed to predict the effect of missense changes on protein structure and function (SIFT, PolyPhen-2, Align-GVGD) all suggest that this variant is likely to be disruptive. This variant has not been reported in the literature in individuals affected with GFM2-related conditions. This variant is not present in population databases (gnomAD no frequency). This sequence change replaces phenylalanine, which is neutral and non-polar, with serine, which is neutral and polar, at codon 112 of the GFM2 protein (p.Phe112Ser).